The following is an entry in ClinVar:

NM_000399.5(EGR2):c.340A>G (p.Asn114Asp)

Gene: EGR2 (early growth response 2; minus strand). Cytogenetic location: 10q21.3.
Variant type: single nucleotide variant.
Coding change: c.340A>G on transcript NM_000399.5 (MANE Select); coding-DNA position 340, A replaced by G.
Protein change: p.Asn114Asp; replaces asparagine 114 with aspartic acid.
Molecular consequence: missense variant.
Genome position (GRCh38, 1-based): chr10:62,814,298, T>C on the plus strand (A>G on the coding strand, the complement: EGR2 is on the minus strand). VCF-style: chr10-62814298-T-C. GRCh37 (hg19) VCF-style: chr10-64574058-T-C.
Other names: c.340A>G, p.Asn114Asp (NM_001136177.3, NM_001136178.2); c.190A>G, p.Asn64Asp (NM_001136179.3, NM_001321037.2); short protein forms N114D, N64D.
Identifiers: ClinVar variation 246447 (VCV000246447.2), dbSNP rs879254263, ClinGen allele CA10584306.
Genomic context (GRCh38, chr10:62,814,298, plus strand): 5'-ATGAGGCTGTGGTTGAAGCTGGGGAAGTGACCCCTTGCAAGATGCCTGCACTCACAATAT[T>C]GATTATGCCTTCTGGGTAGCAGCTGGCACCAGGGTACTGAGGGTCAATGGAGAACTTGCC-3'
Protein context (NP_000390.2, residues 104-124): GASCYPEGII[Asn114Asp]IVSAGILQGV

ClinVar aggregate classification (germline): Uncertain significance (1 of 4 stars; one submission).

Allele frequency attached by ClinVar (database versions not stated): gnomAD exomes below 0.00001.

Submission:

GeneDx
Classification: Uncertain significance. Last evaluated: 2016-03-11. Review status: criteria provided, single submitter. Criteria: GeneDx Variant Classification (06012015). Collection method: clinical testing. Allele origin: germline. Affected: yes.
Comment: The N114D variant has not been published as a pathogenic variant, nor has it been reported as a benign variant to our knowledge. It was not observed in approximately 6,500 individuals of European and African American ancestry in the NHLBI Exome Sequencing Project, indicating it is not a common benign variant in these populations. The N114D variant is a semi-conservative amino acid substitution, which may impact secondary protein structure as these residues differ in some properties. This substitution occurs at a position that is conserved in mammals, and in silico analysis predicts this variant is probably damaging to the protein structure/function. However, missense variants in nearby residues have not been reported in the Human Gene Mutation Database in association with EGR2-related disorders. Therefore, based on the currently available information, it is unclear whether this variant is a pathogenic variant or a rare benign variant.